The following is an entry in ClinVar:

NM_015330.6(SPECC1L):c.2743+4C>T

Genes: SPECC1L (sperm antigen with calponin homology and coiled-coil domains 1 like; plus strand), SPECC1L-ADORA2A (SPECC1L-ADORA2A readthrough (NMD candidate); plus strand). Cytogenetic location: 22q11.23.
Variant type: single nucleotide variant.
Coding change: c.2743+4C>T on transcript NM_015330.6 (MANE Select); 4 bases into the intron after coding-DNA position 2743, C replaced by T.
Molecular consequence: intron variant.
Genome position (GRCh38, 1-based): chr22:24,347,180, C>T. VCF-style: chr22-24347180-C-T. GRCh37 (hg19) VCF-style: chr22-24743148-C-T.
Other names: c.2743+4C>T (NM_001145468.4, NM_001254732.3); c.-60+4C>T (NM_001254733.2).
Identifiers: ClinVar variation 2887085 (VCV002887085.3), dbSNP rs200455754, ClinGen allele CA10152414.

ClinVar aggregate classification (germline): Uncertain significance (1 of 4 stars; one submission).

Allele frequency attached by ClinVar (database versions not stated): gnomAD 0.00001; gnomAD exomes 0.00001; TOPMed 0.00002; ExAC 0.00004.
gnomAD v4.1: 14 of 1,605,330 alleles (0.00087%); highest among the groups gnomAD compares: African/African-American, 0.0067%; no homozygotes.

Submission:

Labcorp Genetics (formerly Invitae), Labcorp
Classification: Uncertain significance. Last evaluated: 2023-09-05. Review status: criteria provided, single submitter. Criteria: Invitae Variant Classification Sherloc (09022015). Collection method: clinical testing. Allele origin: germline.
Comment: This sequence change falls in intron 11 of the SPECC1L gene. It does not directly change the encoded amino acid sequence of the SPECC1L protein. It affects a nucleotide within the consensus splice site. This variant is present in population databases (rs200455754, gnomAD 0.02%). This variant has not been reported in the literature in individuals affected with SPECC1L-related conditions. Variants that disrupt the consensus splice site are a relatively common cause of aberrant splicing (PMID: 17576681, 9536098). Algorithms developed to predict the effect of sequence changes on RNA splicing suggest that this variant is not likely to affect RNA splicing. In summary, the available evidence is currently insufficient to determine the role of this variant in disease. Therefore, it has been classified as a Variant of Uncertain Significance.

Literature cited by the submitters: PubMed 17576681; PubMed 9536098.